The following is an entry in ClinVar:

ClinVar aggregate classification (germline): Benign (1 of 4 stars; one submission).

Allele frequency attached by ClinVar (database versions not stated): ESP Exome Variant Server 0.22436; gnomAD 0.24686 and 0.25537; TOPMed 0.25516; gnomAD exomes 0.27116 and 0.31063; ExAC 0.29993; 1000 Genomes Project 30x 0.30028; 1000 Genomes Project 0.31030.

Submission:

GeneDx
Classification: Benign. Last evaluated: 2018-06-19. Review status: criteria provided, single submitter. Criteria: GeneDx Variant Classification (06012015). Collection method: clinical testing. Allele origin: germline. Affected: yes.
Comment: This variant is considered likely benign or benign based on one or more of the following criteria: it is a conservative change, it occurs at a poorly conserved position in the protein, it is predicted to be benign by multiple in silico algorithms, and/or has population frequency not consistent with disease.

NM_006070.6(TFG):c.721+50del

Gene: TFG (trafficking from ER to golgi regulator; plus strand). Cytogenetic location: 3q12.2.
Variant type: Deletion.
Coding change: c.721+50del on transcript NM_006070.6 (MANE Select); 50 bases into the intron after coding-DNA position 721, one base deleted (G; older notation c.721+50delG).
Molecular consequence: intron variant.
Genome position (GRCh38, 1-based): chr3:100,736,766, G deleted. VCF-style (leftmost placement, unchanged base first): chr3-100736765-TG-T. GRCh37 (hg19) VCF-style: chr3-100455609-TG-T.
Other names: c.721+50del (NM_001007565.2, NM_001195478.2); c.709+62del (NM_001195479.2).
Identifiers: ClinVar variation 670747 (VCV000670747.1), dbSNP rs3830581, ClinGen allele CA2517161.
Genomic context (GRCh38, chr3:100,736,765, plus strand): 5'-GTCAGATTGAAGGTAAAATAGAGTTTAGAACACATGTTTGGGAAAGTACATGTGTAGAAG[TG>T]TTTATTACAGCATTGTTGTAAACACTTCATGTATTTAGTCATGCCTTAAACACAGGAAAA-3'